The following is an entry in ClinVar:

ClinVar aggregate classification (germline): Uncertain significance (1 of 4 stars; one submission).

Submission:

GeneDx
Classification: Uncertain significance. Last evaluated: 2026-07-24. Review status: criteria provided, single submitter. Criteria: GeneDx Variant Classification Process June 2021. Collection method: clinical testing. Allele origin: germline.
Comment: Not observed at significant frequency in large population cohorts (gnomAD); In silico analysis supports that this missense variant has a deleterious effect on protein structure/function; De novo variant with confirmed parentage in patients referred for genetic testing at GeneDx with reported clinical features that are only partially consistent with the features typically observed in individuals with pathogenic variants in this gene; Has not been previously published as pathogenic or benign to our knowledge

NM_181552.4(CUX1):c.1775G>A (p.Arg592Gln)

Gene: CUX1 (cut like homeobox 1; plus strand). Cytogenetic location: 7q22.1.
Variant type: single nucleotide variant.
Coding change: c.1775G>A on transcript NM_181552.4 (MANE Select); coding-DNA position 1775, G replaced by A.
Protein change: p.Arg592Gln; replaces arginine 592 with glutamine.
Molecular consequence: missense variant. On other transcripts: intron variant (5).
Genome position (GRCh38, 1-based): chr7:102,197,186, G>A. VCF-style: chr7-102197186-G-A. GRCh37 (hg19) VCF-style: chr7-101840466-G-A.
Other names: c.1808G>A, p.Arg603Gln (NM_001202543.2); c.1255+1583G>A (NM_001913.5); c.1249+1583G>A (NM_181500.4); c.1117+1583G>A (NM_001202545.3); c.1207+1583G>A (NM_001202544.3); c.1138+1583G>A (NM_001202546.3); short protein forms R592Q, R603Q.
Identifiers: ClinVar variation 3371839 (VCV003371839.3).